The following is an entry in ClinVar:

NM_177924.5(ASAH1):c.46G>C (p.Val16Leu)

Gene: ASAH1 (N-acylsphingosine amidohydrolase 1; minus strand). Cytogenetic location: 8p22.
Variant type: single nucleotide variant.
Coding change: c.46G>C on transcript NM_177924.5 (MANE Select); coding-DNA position 46, G replaced by C.
Protein change: p.Val16Leu; replaces valine 16 with leucine.
Molecular consequence: missense variant. On other transcripts: intron variant (2).
Genome position (GRCh38, 1-based): chr8:18,084,013, C>G on the plus strand (G>C on the coding strand, the complement: ASAH1 is on the minus strand). VCF-style: chr8-18084013-C-G. GRCh37 (hg19) VCF-style: chr8-17941522-C-G.
Other names: c.126+663G>C (NM_004315.6, NM_001127505.3); short protein forms V16L.
Identifiers: ClinVar variation 1436973 (VCV001436973.8), dbSNP rs1341390824, ClinGen allele CA370435791.

ClinVar aggregate classification (germline): Uncertain significance (1 of 4 stars; one submission).

Allele frequency attached by ClinVar (database versions not stated): gnomAD 0.00001; gnomAD exomes 0.00001; TOPMed 0.00002.
gnomAD v4.1: 4 of 1,598,218 alleles (0.00025%); highest among the groups gnomAD compares: Non-Finnish European, 0.00034%; no homozygotes.

Submission:

Labcorp Genetics (formerly Invitae), Labcorp
Classification: Uncertain significance. Last evaluated: 2021-02-02. Review status: criteria provided, single submitter. Criteria: Invitae Variant Classification Sherloc (09022015). Collection method: clinical testing. Allele origin: germline.
Comment: In summary, the available evidence is currently insufficient to determine the role of this variant in disease. Therefore, it has been classified as a Variant of Uncertain Significance. Algorithms developed to predict the effect of missense changes on protein structure and function (SIFT, PolyPhen-2, Align-GVGD) all suggest that this variant is likely to be tolerated, but these predictions have not been confirmed by published functional studies and their clinical significance is uncertain. This variant has not been reported in the literature in individuals with ASAH1-related conditions. This variant is not present in population databases (ExAC no frequency). This sequence change replaces valine with leucine at codon 16 of the ASAH1 protein (p.Val16Leu). The valine residue is weakly conserved and there is a small physicochemical difference between valine and leucine.